The following is an entry in ClinVar:

NM_004415.4(DSP):c.3202G>C (p.Glu1068Gln)

Gene: DSP (desmoplakin; plus strand). Cytogenetic location: 6p24.3.
Variant type: single nucleotide variant.
Coding change: c.3202G>C on transcript NM_004415.4 (MANE Select); coding-DNA position 3202, G replaced by C.
Protein change: p.Glu1068Gln; replaces glutamic acid 1068 with glutamine.
Molecular consequence: missense variant.
Genome position (GRCh38, 1-based): chr6:7,579,392, G>C. VCF-style: chr6-7579392-G-C. GRCh37 (hg19) VCF-style: chr6-7579625-G-C.
Other names: c.3202G>C, p.Glu1068Gln (NM_001008844.3, NM_001319034.2); short protein forms E1068Q.
Identifiers: ClinVar variation 2656214 (VCV002656214.24), dbSNP rs2533922589, ClinGen allele CA362683284.

ClinVar aggregate classification (germline): Uncertain significance (1 of 4 stars; one submission).

Submission:

CeGaT Center for Human Genetics Tuebingen
Classification: Uncertain significance. Last evaluated: 2023-02-01. Review status: criteria provided, single submitter. Criteria: CeGaT Center For Human Genetics Tuebingen Variant Classification Criteria Version 2. Collection method: clinical testing. Allele origin: germline. Affected: yes. Observed: 1 variant allele.
Comment: DSP: PM2, BP1